The following is an entry in ClinVar:

NM_033380.3(COL4A5):c.1259G>T (p.Gly420Val)

Gene: COL4A5 (collagen type IV alpha 5 chain; plus strand). Cytogenetic location: Xq22.3.
Variant type: single nucleotide variant.
Coding change: c.1259G>T on transcript NM_033380.3 (MANE Select); coding-DNA position 1259, G replaced by T.
Protein change: p.Gly420Val; replaces glycine 420 with valine.
Molecular consequence: missense variant.
Genome position (GRCh38, 1-based): chrX:108,591,151, G>T. VCF-style: chrX-108591151-G-T. GRCh37 (hg19) VCF-style: chrX-107834381-G-T.
Other names: c.1259G>T, p.Gly420Val (NM_000495.5); short protein forms G420V.
Identifiers: ClinVar variation 587088 (VCV000587088.3), dbSNP rs281874663, ClinGen allele CA413932686.

ClinVar aggregate classification (germline): Pathogenic (1 of 4 stars; one submission).

Submission:

Athena Diagnostics
Classification: Pathogenic. Last evaluated: 2019-06-25. Review status: criteria provided, single submitter. Criteria: Athena Diagnostics Criteria. Collection method: clinical testing. Allele origin: germline.
Comment: The variant disrupts a glycine residue in the canonical Gly-X-Y repeats of the triple helix domain, which are required for stability and structure of this protein. Therefore it is expected to severely affect the function of the protein. Found in at least one symptomatic patient, and not found in general population data. Predicted to have a damaging effect on the protein. One other pathogenic or likely pathogenic variant affects the same amino acid.

Literature cited by the submitters: PubMed 9848783.